The following is an entry in ClinVar:

ClinVar aggregate classification (germline): Uncertain significance. Review status: criteria provided, multiple submitters, no conflicts (2 of 4 stars). 3 submissions from 3 submitters: Uncertain significance (3). Last evaluated 2024-09-03.

Conditions:
Complement component 9 deficiency (C9D). Also called: C9 deficiency. Identifiers: MedGen C3151189, MONDO:0013445, OMIM 613825.

Allele frequency attached by ClinVar (database versions not stated): ESP Exome Variant Server 0.00008; TOPMed 0.00014; gnomAD 0.00015 and 0.00017; gnomAD exomes 0.00017 and 0.00023; ExAC 0.00033.
gnomAD v4.1: 273 of 1,614,020 alleles (0.017%); highest among the groups gnomAD compares: Middle Eastern, 0.082%; no homozygotes.

Submissions (3):

Blueprint Genetics
Classification: Uncertain significance. Last evaluated: 2024-09-03. Review status: criteria provided, single submitter. Criteria: ACMG Guidelines, 2015. Collection method: clinical testing. Allele origin: germline.

Genomic Medicine Center of Excellence, King Faisal Specialist Hospital and Research Centre
Classification: Uncertain significance for Complement component 9 deficiency. Last evaluated: 2024-04-04. Review status: criteria provided, single submitter. Criteria: ACMG Guidelines, 2015. Collection method: clinical testing. Allele origin: germline.

Labcorp Genetics (formerly Invitae), Labcorp
Classification: Uncertain significance. Last evaluated: 2022-10-13. Review status: criteria provided, single submitter. Criteria: Invitae Variant Classification Sherloc (09022015). Collection method: clinical testing. Allele origin: germline.
Comment: This sequence change replaces glycine, which is neutral and non-polar, with arginine, which is basic and polar, at codon 126 of the C9 protein (p.Gly126Arg). This variant is present in population databases (rs199939436, gnomAD 0.04%). This missense change has been observed in individual(s) with age-related macular degeneration (PMID: 29767720). ClinVar contains an entry for this variant (Variation ID: 1061985). Advanced modeling of protein sequence and biophysical properties (such as structural, functional, and spatial information, amino acid conservation, physicochemical variation, residue mobility, and thermodynamic stability) performed at Invitae indicates that this missense variant is expected to disrupt C9 protein function. Experimental studies are conflicting or provide insufficient evidence to determine the effect of this variant on C9 function (PMID: 29767720). In summary, the available evidence is currently insufficient to determine the role of this variant in disease. Therefore, it has been classified as a Variant of Uncertain Significance.

Literature cited by the submitters: PubMed 29767720 (cited by Labcorp Genetics (formerly Invitae), Labcorp).

NM_001737.5(C9):c.376G>A (p.Gly126Arg)

Gene: C9 (complement C9; minus strand). Cytogenetic location: 5p13.1.
Variant type: single nucleotide variant.
Coding change: c.376G>A on transcript NM_001737.5 (MANE Select); coding-DNA position 376, G replaced by A.
Protein change: p.Gly126Arg; replaces glycine 126 with arginine.
Molecular consequence: missense variant.
Genome position (GRCh38, 1-based): chr5:39,341,246, C>T on the plus strand (G>A on the coding strand, the complement: C9 is on the minus strand). VCF-style: chr5-39341246-C-T. GRCh37 (hg19) VCF-style: chr5-39341348-C-T.
Other names: short protein forms G126R.
Identifiers: ClinVar variation 1061985 (VCV001061985.6), dbSNP rs199939436, ClinGen allele CA3247034.